The following is an entry in ClinVar:

NM_001040108.2(MLH3):c.433A>G (p.Thr145Ala)

Gene: MLH3 (mutL homolog 3; minus strand). Cytogenetic location: 14q24.3.
Variant type: single nucleotide variant.
Coding change: c.433A>G on transcript NM_001040108.2 (MANE Select); coding-DNA position 433, A replaced by G.
Protein change: p.Thr145Ala; replaces threonine 145 with alanine.
Molecular consequence: missense variant.
Genome position (GRCh38, 1-based): chr14:75,049,223, T>C on the plus strand (A>G on the coding strand, the complement: MLH3 is on the minus strand). VCF-style: chr14-75049223-T-C. GRCh37 (hg19) VCF-style: chr14-75515926-T-C.
Other names: c.433A>G, p.Thr145Ala (NM_014381.3); short protein forms T145A.
Identifiers: ClinVar variation 1739837 (VCV001739837.4), dbSNP rs2503328344, ClinGen allele CA390450328.

ClinVar aggregate classification (germline): Uncertain significance. Review status: criteria provided, multiple submitters, no conflicts (2 of 4 stars). 2 submissions from 2 submitters: Uncertain significance (2). Last evaluated 2024-06-24.

Conditions:
Colorectal cancer, hereditary nonpolyposis, type 7. Identifiers: Orphanet 144, MedGen C1858380, MONDO:0013725, OMIM 614385.

Submissions (2):

Labcorp Genetics (formerly Invitae), Labcorp
Classification: Uncertain significance for Colorectal cancer, hereditary nonpolyposis, type 7. Last evaluated: 2024-06-24. Review status: criteria provided, single submitter. Criteria: Invitae Variant Classification Sherloc (09022015). Collection method: clinical testing. Allele origin: germline.
Comment: This sequence change replaces threonine, which is neutral and polar, with alanine, which is neutral and non-polar, at codon 145 of the MLH3 protein (p.Thr145Ala). This variant is not present in population databases (gnomAD no frequency). This variant has not been reported in the literature in individuals affected with MLH3-related conditions. ClinVar contains an entry for this variant (Variation ID: 1739837). An algorithm developed to predict the effect of missense changes on protein structure and function (PolyPhen-2) suggests that this variant is likely to be disruptive. In summary, the available evidence is currently insufficient to determine the role of this variant in disease. Therefore, it has been classified as a Variant of Uncertain Significance.

Ambry Genetics
Classification: Uncertain significance. Last evaluated: 2024-03-28. Review status: criteria provided, single submitter. Criteria: Ambry Variant Classification Scheme 2023. Collection method: clinical testing. Allele origin: germline.
Comment: The p.T145A variant (also known as c.433A>G), located in coding exon 1 of the MLH3 gene, results from an A to G substitution at nucleotide position 433. The threonine at codon 145 is replaced by alanine, an amino acid with similar properties. This amino acid position is conserved. In addition, the in silico prediction for this alteration is inconclusive. Since supporting evidence is limited at this time, the clinical significance of this alteration remains unclear.